The following is an entry in ClinVar:

ClinVar aggregate classification (germline): Pathogenic. Review status: criteria provided, multiple submitters, no conflicts (2 of 4 stars). 2 submissions from 2 submitters: Pathogenic (2). Last evaluated 2024-01-08.

Conditions:
Mucopolysaccharidosis type 1. Also called: Mucopolysaccharidosis Type I; IDUA deficiency; MPS I. Identifiers: Orphanet 579, MedGen C0023786, MONDO:0001586.

Submissions (2):

Myriad Genetics, Inc.
Classification: Pathogenic for Mucopolysaccharidosis type 1. Last evaluated: 2024-01-08. Review status: criteria provided, single submitter. Criteria: Myriad Autosomal Dominant, Autosomal Recessive and X-Linked Classification Criteria (2023). Collection method: clinical testing. Allele origin: unknown.
Comment: NM_000203.3(IDUA):c.1108C>T(Q370*) is expected to be pathogenic in the context of mucopolysaccharidosis type I. This variant is predicted to lead to an abnormal or absent protein product due to the creation of a premature termination codon in IDUA, a gene where loss-of-function variants are known to be pathogenic. Please note: this variant was assessed in the context of healthy population screening.

Labcorp Genetics (formerly Invitae), Labcorp
Classification: Pathogenic for Mucopolysaccharidosis type 1. Last evaluated: 2021-08-17. Review status: criteria provided, single submitter. Criteria: Invitae Variant Classification Sherloc (09022015). Collection method: clinical testing. Allele origin: germline.
Comment: This sequence change creates a premature translational stop signal (p.Gln370*) in the IDUA gene. It is expected to result in an absent or disrupted protein product. This variant is not present in population databases (ExAC no frequency). This variant has not been reported in the literature in individuals with IDUA-related conditions. Loss-of-function variants in IDUA are known to be pathogenic (PMID: 11735025, 21480867). For these reasons, this variant has been classified as Pathogenic.

Literature cited by the submitters: PubMed 11735025 (cited by Labcorp Genetics (formerly Invitae), Labcorp); PubMed 21480867 (cited by Labcorp Genetics (formerly Invitae), Labcorp).

NM_000203.5(IDUA):c.1108C>T (p.Gln370Ter)

Gene: IDUA (alpha-L-iduronidase; plus strand). Cytogenetic location: 4p16.3.
Variant type: single nucleotide variant.
Coding change: c.1108C>T on transcript NM_000203.5 (MANE Select); coding-DNA position 1108, C replaced by T.
Protein change: p.Gln370Ter; replaces glutamine 370 with a stop codon.
Molecular consequence: nonsense. On other transcripts: non-coding transcript variant (1).
Genome position (GRCh38, 1-based): chr4:1,002,404, C>T. VCF-style: chr4-1002404-C-T. GRCh37 (hg19) VCF-style: chr4-996192-C-T.
Other names: c.712C>T, p.Gln238Ter (NM_001363576.1); short protein forms Q238*, Q370*.
Identifiers: ClinVar variation 1075107 (VCV001075107.8), dbSNP rs2153022415, ClinGen allele CA355963348.